The following is an entry in ClinVar:

NM_024867.4(SPEF2):c.1356-5G>A

Gene: SPEF2 (sperm flagellar and cilia associated 2; plus strand). Cytogenetic location: 5p13.2.
Variant type: single nucleotide variant.
Coding change: c.1356-5G>A on transcript NM_024867.4 (MANE Select); 5 bases into the intron before coding-DNA position 1356, G replaced by A.
Molecular consequence: intron variant.
Genome position (GRCh38, 1-based): chr5:35,670,054, G>A. VCF-style: chr5-35670054-G-A. GRCh37 (hg19) VCF-style: chr5-35670156-G-A.
Other names: c.1356-5G>A (NM_144722.4).
Identifiers: ClinVar variation 2571217 (VCV002571217.27), dbSNP rs372767462, ClinGen allele CA3230469.

ClinVar aggregate classification (germline): Uncertain significance (1 of 4 stars; one submission).

Allele frequency attached by ClinVar (database versions not stated): gnomAD 0.00015; ExAC 0.00026; ESP Exome Variant Server 0.00046.
gnomAD v4.1: 443 of 1,573,790 alleles (0.028%); highest among the groups gnomAD compares: Non-Finnish European, 0.032%; 3 homozygotes.

Submission:

CeGaT Center for Human Genetics Tuebingen
Classification: Uncertain significance. Last evaluated: 2023-05-01. Review status: criteria provided, single submitter. Criteria: CeGaT Center For Human Genetics Tuebingen Variant Classification Criteria Version 2. Collection method: clinical testing. Allele origin: germline. Affected: yes. Observed: 1 variant allele.
Comment: SPEF2: PM2, BP4